The following is an entry in ClinVar:

ClinVar aggregate classification (germline): Uncertain significance (1 of 4 stars; one submission).

gnomAD v4.1: 48 of 1,611,860 alleles (0.003%); highest among the groups gnomAD compares: Admixed American, 0.005%; no homozygotes.

Submission:

Labcorp Genetics (formerly Invitae), Labcorp
Classification: Uncertain significance. Last evaluated: 2021-03-04. Review status: criteria provided, single submitter. Criteria: Invitae Variant Classification Sherloc (09022015). Collection method: clinical testing. Allele origin: germline.
Comment: This sequence change replaces aspartic acid with glutamic acid at codon 100 of the ASCC1 protein (p.Asp100Glu). The aspartic acid residue is weakly conserved and there is a small physicochemical difference between aspartic acid and glutamic acid. This variant is present in population databases (rs752290786, ExAC 0.004%). This variant has not been reported in the literature in individuals with ASCC1-related conditions. Algorithms developed to predict the effect of missense changes on protein structure and function output the following: SIFT: "Tolerated"; PolyPhen-2: "Benign"; Align-GVGD: "Class C0". The glutamic acid amino acid residue is found in multiple mammalian species, suggesting that this missense change does not adversely affect protein function. These predictions have not been confirmed by published functional studies and their clinical significance is uncertain. In summary, the available evidence is currently insufficient to determine the role of this variant in disease. Therefore, it has been classified as a Variant of Uncertain Significance.

NM_001198800.3(ASCC1):c.300C>G (p.Asp100Glu)

Gene: ASCC1 (activating signal cointegrator 1 complex subunit 1; minus strand). Cytogenetic location: 10q22.1.
Variant type: single nucleotide variant.
Coding change: c.300C>G on transcript NM_001198800.3 (MANE Select); coding-DNA position 300, C replaced by G.
Protein change: p.Asp100Glu; replaces aspartic acid 100 with glutamic acid.
Molecular consequence: missense variant. On other transcripts: non-coding transcript variant (1).
Genome position (GRCh38, 1-based): chr10:72,203,437, G>C on the plus strand (C>G on the coding strand, the complement: ASCC1 is on the minus strand). VCF-style: chr10-72203437-G-C. GRCh37 (hg19) VCF-style: chr10-73963195-G-C.
Other names: c.300C>G, p.Asp100Glu (NM_001198798.2, NM_001369087.1, NM_001369088.1 and 18 more transcripts); c.384C>G, p.Asp128Glu (NM_001198799.3); c.366C>G, p.Asp122Glu (NM_001369085.1, NM_001369086.1, NM_001369099.1); c.183C>G, p.Asp61Glu (NM_001369101.1, NM_001369102.1, NM_001369105.1 and 2 more transcripts); short protein forms D122E, D128E, D61E, D100E.
Identifiers: ClinVar variation 1348517 (VCV001348517.8), dbSNP rs752290786, ClinGen allele CA5549065.